The following is an entry in ClinVar:

ClinVar aggregate classification (germline): Conflicting classifications of pathogenicity. Review status: criteria provided, conflicting classifications (1 of 4 stars). 2 submissions from 2 submitters: Uncertain significance (1); Likely benign (1). Last evaluated 2025-11-12.

Conditions:
Inborn genetic diseases. Identifiers: MedGen C0950123, MeSH D030342.

gnomAD v4.1: 55 of 1,613,396 alleles (0.0034%); highest among the groups gnomAD compares: Admixed American, 0.015%; no homozygotes.

Submissions (2):

Ambry Genetics
Classification: Likely benign for Inborn genetic diseases. Last evaluated: 2025-11-12. Review status: criteria provided, single submitter. Criteria: Ambry Variant Classification Scheme 2023. Collection method: clinical testing. Allele origin: germline.

Women's Health and Genetics/Laboratory Corporation of America, LabCorp
Classification: Uncertain significance. Last evaluated: 2024-10-01. Review status: criteria provided, single submitter. Criteria: LabCorp Variant Classification Summary - May 2015. Collection method: clinical testing. Allele origin: germline.
Comment: Variant summary: CHD8 c.6956A>G (p.Asn2319Ser) results in a conservative amino acid change located in the BRK domain (IPR006576) of the encoded protein sequence. Four of five in-silico tools predict a benign effect of the variant on protein function. The variant allele was found at a frequency of 4e-05 in 248576 control chromosomes. This frequency is not significantly higher than estimated for a pathogenic variant in CHD8 causing CHD8-Related Disorders, allowing no conclusion about variant significance. To our knowledge, no occurrence of c.6956A>G in individuals affected with CHD8-Related Disorders and no experimental evidence demonstrating its impact on protein function have been reported. No submitters have cited clinical-significance assessments for this variant to ClinVar. Based on the evidence outlined above, the variant was classified as uncertain significance.

NM_001170629.2(CHD8):c.6956A>G (p.Asn2319Ser)

Genes: CHD8 (chromodomain helicase DNA binding protein 8; minus strand), LOC126861888 (CDK7 strongly-dependent group 2 enhancer GRCh37_chr14:21859227-21860426; plus strand). Cytogenetic location: 14q11.2.
Variant type: single nucleotide variant.
Coding change: c.6956A>G on transcript NM_001170629.2 (MANE Select); coding-DNA position 6956, A replaced by G.
Protein change: p.Asn2319Ser; replaces asparagine 2319 with serine.
Molecular consequence: missense variant.
Genome position (GRCh38, 1-based): chr14:21,391,572, T>C on the plus strand (A>G on the coding strand, the complement: CHD8 is on the minus strand). VCF-style: chr14-21391572-T-C. GRCh37 (hg19) VCF-style: chr14-21859731-T-C.
Other names: c.6119A>G, p.Asn2040Ser (NM_020920.4); c.6956A>G (NM_001170629.1); short protein forms N2040S, N2319S.
Identifiers: ClinVar variation 3385010 (VCV003385010.2).